The following is an entry in ClinVar:

ClinVar aggregate classification (germline): Uncertain significance (1 of 4 stars; one submission).

Conditions:
Oto-palato-digital syndrome, type II (OPD2). Also called: FACIOPALATOOSSEOUS SYNDROME; OPD II SYNDROME; Otopalatodigital Syndrome, Type II; Otopalatodigital Syndrome Type 2 (FLNA-OPD2). Identifiers: Orphanet 669, Orphanet 90652, MedGen C1844696, MONDO:0010571, OMIM 304120.
Frontometaphyseal dysplasia (FMD1). Identifiers: Orphanet 1826, MedGen C0265293, MONDO:0015942.
Melnick-Needles syndrome (MNS). Also called: MELNICK-NEEDLES OSTEODYSPLASTY; OSTEODYSPLASTY OF MELNICK AND NEEDLES; Melnick-Needles Syndrome (FLNA-MNS). Identifiers: Orphanet 2484, MedGen C0025237, MONDO:0010650, OMIM 309350.
Heterotopia, periventricular, X-linked dominant (PVNH1). Also called: PERIVENTRICULAR NODULAR HETEROTOPIA 4; HETEROTOPIA, PERIVENTRICULAR, 1; PERIVENTRICULAR NODULAR HETEROTOPIA 1; X-linked periventricular heterotopia. Identifiers: Orphanet 2149, Orphanet 82004, MedGen C1848213, MONDO:0010233, OMIM 300049.

Submission:

Labcorp Genetics (formerly Invitae), Labcorp
Classification: Uncertain significance for Oto-palato-digital syndrome, type II; Heterotopia, periventricular, X-linked dominant; Frontometaphyseal dysplasia; Melnick-Needles syndrome. Last evaluated: 2022-04-01. Review status: criteria provided, single submitter. Criteria: Invitae Variant Classification Sherloc (09022015). Collection method: clinical testing. Allele origin: germline.
Comment: This sequence change replaces phenylalanine, which is neutral and non-polar, with isoleucine, which is neutral and non-polar, at codon 2384 of the FLNA protein (p.Phe2384Ile). This variant is not present in population databases (gnomAD no frequency). This variant has not been reported in the literature in individuals affected with FLNA-related conditions. Advanced modeling of protein sequence and biophysical properties (such as structural, functional, and spatial information, amino acid conservation, physicochemical variation, residue mobility, and thermodynamic stability) performed at Invitae indicates that this missense variant is expected to disrupt FLNA protein function. In summary, the available evidence is currently insufficient to determine the role of this variant in disease. Therefore, it has been classified as a Variant of Uncertain Significance.

NM_001110556.2(FLNA):c.7174T>A (p.Phe2392Ile)

Gene: FLNA (filamin A; minus strand). Cytogenetic location: Xq28.
Variant type: single nucleotide variant.
Coding change: c.7174T>A on transcript NM_001110556.2 (MANE Select); coding-DNA position 7174, T replaced by A.
Protein change: p.Phe2392Ile; replaces phenylalanine 2392 with isoleucine.
Molecular consequence: missense variant.
Genome position (GRCh38, 1-based): chrX:154,350,190, A>T on the plus strand (T>A on the coding strand, the complement: FLNA is on the minus strand). VCF-style: chrX-154350190-A-T. GRCh37 (hg19) VCF-style: chrX-153578558-A-T.
Other names: c.7150T>A, p.Phe2384Ile (NM_001456.4); short protein forms F2384I, F2392I.
Identifiers: ClinVar variation 2200165 (VCV002200165.4), dbSNP rs782645927, ClinGen allele CA415184449.